The following is an entry in ClinVar:

NM_152564.5(VPS13B):c.6535C>G (p.Leu2179Val)

Gene: VPS13B (vacuolar protein sorting 13 homolog B; plus strand). Cytogenetic location: 8q22.2.
Variant type: single nucleotide variant.
Coding change: c.6535C>G on transcript NM_152564.5 (MANE Select); coding-DNA position 6535, C replaced by G.
Protein change: p.Leu2179Val; replaces leucine 2179 with valine.
Molecular consequence: missense variant.
Genome position (GRCh38, 1-based): chr8:99,717,251, C>G. VCF-style: chr8-99717251-C-G. GRCh37 (hg19) VCF-style: chr8-100729479-C-G.
Other names: p.Leu2204Val; c.6610C>G, p.Leu2204Val (NM_017890.5); short protein forms L2179V, L2204V.
Identifiers: ClinVar variation 3379831 (VCV003379831.2).

ClinVar aggregate classification (germline): Uncertain significance. Review status: criteria provided, multiple submitters, no conflicts (2 of 4 stars). 2 submissions from 2 submitters: Uncertain significance (2). Last evaluated 2025-06-14.

Conditions:
VPS13B-related disorder. Also called: VPS13B-related condition.

gnomAD v4.1: 2 of 1,613,852 alleles (0.00012%); highest among the groups gnomAD compares: African/African-American, 0.0013%; no homozygotes.

Submissions (2):

PreventionGenetics, part of Exact Sciences
Classification: Uncertain significance for VPS13B-related condition. Last evaluated: 2025-06-14. Review status: criteria provided, single submitter. Criteria: ACMG Guidelines, 2015. Collection method: clinical testing. Allele origin: germline.
Comment: The VPS13B c.6535C>G variant is predicted to result in the amino acid substitution p.Leu2179Val. To our knowledge, this variant has not been reported in the literature. This variant is reported in 0.011% of alleles in individuals of African descent in gnomAD. At this time, the clinical significance of this variant is uncertain due to the absence of conclusive functional and genetic evidence.

Mayo Clinic Laboratories, Mayo Clinic
Classification: Uncertain significance. Last evaluated: 2023-10-11. Review status: criteria provided, single submitter. Criteria: ACMG Guidelines, 2015. Collection method: clinical testing. Allele origin: germline. Observed: 1 variant allele.
Comment: BP4, PM2